The following is an entry in ClinVar:

NM_001371928.1(AHDC1):c.311G>A (p.Gly104Asp)

Gene: AHDC1 (AT-hook DNA binding motif containing 1; minus strand). Cytogenetic location: 1p36.11.
Variant type: single nucleotide variant.
Coding change: c.311G>A on transcript NM_001371928.1 (MANE Select); coding-DNA position 311, G replaced by A.
Protein change: p.Gly104Asp; replaces glycine 104 with aspartic acid.
Molecular consequence: missense variant.
Genome position (GRCh38, 1-based): chr1:27,551,805, C>T on the plus strand (G>A on the coding strand, the complement: AHDC1 is on the minus strand). VCF-style: chr1-27551805-C-T. GRCh37 (hg19) VCF-style: chr1-27878316-C-T.
Other names: c.311G>A, p.Gly104Asp (NM_001029882.3); short protein forms G104D.
Identifiers: ClinVar variation 2771114 (VCV002771114.4), dbSNP rs2522099280, ClinGen allele CA339238056.
Genomic context (GRCh38, chr1:27,551,805, plus strand): 5'-AGCTGCACCACTGGTCGCAGGTTCACCCGCCCGTTGTCCCAGCAGCGTCGGGAGCTGCTG[C>T]CGTCTCCGACCGGTGTGGGGCAGCGGGCCTGTGAGACAGGACGGGCTGCCCGTGGGGGCA-3'
Protein context (NP_001358857.1, residues 94-114): QARCPTPVGD[Gly104Asp]SSSRRCWDNG

ClinVar aggregate classification (germline): Uncertain significance. Review status: criteria provided, multiple submitters, no conflicts (2 of 4 stars). 2 submissions from 2 submitters: Uncertain significance (2). Last evaluated 2025-10-29.

Submissions (2):

Greenwood Genetic Center Diagnostic Laboratories, Greenwood Genetic Center
Classification: Uncertain significance. Last evaluated: 2025-10-29. Review status: criteria provided, single submitter. Criteria: ACMG Guidelines, 2015. Collection method: clinical testing. Allele origin: germline. Affected: yes.
Comment: PM2, BP4

Labcorp Genetics (formerly Invitae), Labcorp
Classification: Uncertain significance. Last evaluated: 2023-10-22. Review status: criteria provided, single submitter. Criteria: Invitae Variant Classification Sherloc (09022015). Collection method: clinical testing. Allele origin: germline.
Comment: This sequence change replaces glycine, which is neutral and non-polar, with aspartic acid, which is acidic and polar, at codon 104 of the AHDC1 protein (p.Gly104Asp). This variant is not present in population databases (gnomAD no frequency). This variant has not been reported in the literature in individuals affected with AHDC1-related conditions. An algorithm developed to predict the effect of missense changes on protein structure and function (PolyPhen-2) suggests that this variant is likely to be tolerated. In summary, the available evidence is currently insufficient to determine the role of this variant in disease. Therefore, it has been classified as a Variant of Uncertain Significance.